The following is an entry in ClinVar:

ClinVar aggregate classification (germline): Uncertain significance. Review status: criteria provided, multiple submitters, no conflicts (2 of 4 stars). 3 submissions from 3 submitters: Uncertain significance (3). Last evaluated 2024-02-29.

Conditions:
Age related macular degeneration 1 (ARMD1). Also called: MACULOPATHY, AGE-RELATED, 1. Identifiers: MedGen C1864205, MONDO:0011285, OMIM 603075.

Allele frequency attached by ClinVar (database versions not stated): gnomAD exomes below 0.00001; gnomAD 0.00001; ExAC 0.00002; 1000 Genomes Project 30x 0.00016; 1000 Genomes Project 0.00020.
gnomAD v4.1: 4 of 1,613,052 alleles (0.00025%); highest among the groups gnomAD compares: African/African-American, 0.004%; no homozygotes.

Submissions (3):

Labcorp Genetics (formerly Invitae), Labcorp
Classification: Uncertain significance. Last evaluated: 2024-02-29. Review status: criteria provided, single submitter. Criteria: Invitae Variant Classification Sherloc (09022015). Collection method: clinical testing. Allele origin: germline.
Comment: This sequence change replaces leucine, which is neutral and non-polar, with phenylalanine, which is neutral and non-polar, at codon 3145 of the HMCN1 protein (p.Leu3145Phe). This variant is present in population databases (rs192222844, gnomAD 0.007%). This variant has not been reported in the literature in individuals affected with HMCN1-related conditions. ClinVar contains an entry for this variant (Variation ID: 1388158). An algorithm developed to predict the effect of missense changes on protein structure and function (PolyPhen-2) suggests that this variant is likely to be disruptive. In summary, the available evidence is currently insufficient to determine the role of this variant in disease. Therefore, it has been classified as a Variant of Uncertain Significance.

Ambry Genetics
Classification: Uncertain significance. Last evaluated: 2023-07-25. Review status: criteria provided, single submitter. Criteria: Ambry Variant Classification Scheme 2023. Collection method: clinical testing. Allele origin: germline.

Genome-Nilou Lab
Classification: Uncertain significance for Age related macular degeneration 1. Last evaluated: 2023-04-11. Review status: criteria provided, single submitter. Criteria: ACMG Guidelines, 2015. Collection method: clinical testing. Allele origin: germline. Affected: no.

NM_031935.3(HMCN1):c.9433C>T (p.Leu3145Phe)

Gene: HMCN1 (hemicentin 1; plus strand). Cytogenetic location: 1q31.1.
Variant type: single nucleotide variant.
Coding change: c.9433C>T on transcript NM_031935.3 (MANE Select); coding-DNA position 9433, C replaced by T.
Protein change: p.Leu3145Phe; replaces leucine 3145 with phenylalanine.
Molecular consequence: missense variant.
Genome position (GRCh38, 1-based): chr1:186,088,001, C>T. VCF-style: chr1-186088001-C-T. GRCh37 (hg19) VCF-style: chr1-186057133-C-T.
Other names: c.9433C>T (NM_031935.2); short protein forms L3145F.
Identifiers: ClinVar variation 1388158 (VCV001388158.8), dbSNP rs192222844, ClinGen allele CA1293410.
Genomic context (GRCh38, chr1:186,088,001, plus strand): 5'-ACAGGCCAGTATGTATGTAGAGCTATAAATGTAGCAGGACGGGATGATAAAAATTTCCAC[C>T]TCAATGTATATGGTGAGCATTTGCCTCTAATACAACTCTTTTTCCCCTAGATATGCAAAT-3'
Protein context (NP_114141.2, residues 3135-3155): VAGRDDKNFH[Leu3145Phe]NVYVPPSIEG